The following is an entry in ClinVar:

NM_018191.4(RCBTB1):c.1025C>T (p.Ser342Leu)

Gene: RCBTB1 (RCC1 and BTB domain containing protein 1; minus strand). Cytogenetic location: 13q14.2.
Variant type: single nucleotide variant.
Coding change: c.1025C>T on transcript NM_018191.4 (MANE Select); coding-DNA position 1025, C replaced by T.
Protein change: p.Ser342Leu; replaces serine 342 with leucine.
Molecular consequence: missense variant. On other transcripts: non-coding transcript variant (2).
Genome position (GRCh38, 1-based): chr13:49,549,478, G>A on the plus strand (C>T on the coding strand, the complement: RCBTB1 is on the minus strand). VCF-style: chr13-49549478-G-A. GRCh37 (hg19) VCF-style: chr13-50123614-G-A.
Other names: c.1025C>T, p.Ser342Leu (NM_001352500.2, NM_001352501.2, NM_001352502.2 and 3 more transcripts); c.446C>T, p.Ser149Leu (NM_001352506.2); short protein forms S149L, S342L.
Identifiers: ClinVar variation 971441 (VCV000971441.13), dbSNP rs754407540, ClinGen allele CA6982706.

ClinVar aggregate classification (germline): Conflicting classifications of pathogenicity. Review status: criteria provided, conflicting classifications (1 of 4 stars). 4 submissions from 4 submitters: Pathogenic (1); Likely pathogenic (2); Uncertain significance (1). Last evaluated 2026-01-30.

Conditions:
RCBTB1-related retinopathy. Also called: Retinal dystrophy with or without extraocular anomalies. Identifiers: MedGen C4310680, MONDO:0014955, OMIM 617175.

Allele frequency attached by ClinVar (database versions not stated): TOPMed 0.00004; ExAC 0.00007; gnomAD 0.00009 and 0.00010; gnomAD exomes 0.00010.
gnomAD v4.1: 81 of 1,611,200 alleles (0.005%); highest among the groups gnomAD compares: African/African-American, 0.004%; no homozygotes.

Submissions (4):

Dasa
Classification: Likely pathogenic for RCBTB1-related retinopathy. Last evaluated: 2026-01-30. Review status: criteria provided, single submitter. Criteria: DASA Assertion Criteria. Collection method: clinical testing. Allele origin: germline.
Comment: NM_018191.4(RCBTB1):c.1025C>T (p.Ser342Leu) is a missense variant that results in the substitution of serine with leucine. Segregation data support an association with disease in the reported family/families (PMID: 35057699). This variant has been reported in individuals with RCBTB1-related disorders (PMID: 35057699). Also, this variant is rare in population databases. Based on the currently available evidence, this variant is classified as likely pathogenic.

First Genomix Gene Laboratory, Genetic Diagnostics Department
Classification: Likely pathogenic for RCBTB1-related retinopathy. Last evaluated: 2025-09-02. Review status: criteria provided, single submitter. Criteria: ACMG Guidelines, 2015. Collection method: clinical testing. Allele origin: germline. Inheritance: Autosomal recessive inheritance. Affected: no. Observed: 1 variant allele.

Labcorp Genetics (formerly Invitae), Labcorp
Classification: Pathogenic. Last evaluated: 2025-02-13. Review status: criteria provided, single submitter. Criteria: Invitae Variant Classification Sherloc (09022015). Collection method: clinical testing. Allele origin: germline.
Comment: This sequence change replaces serine, which is neutral and polar, with leucine, which is neutral and non-polar, at codon 342 of the RCBTB1 protein (p.Ser342Leu). This variant is present in population databases (rs754407540, gnomAD 0.09%). This missense change has been observed in individual(s) with clinical features of RCBTB1-related conditions (PMID: 35057699; internal data). In at least one individual the data is consistent with being in trans (on the opposite chromosome) from a pathogenic variant. ClinVar contains an entry for this variant (Variation ID: 971441). Invitae Evidence Modeling of protein sequence and biophysical properties (such as structural, functional, and spatial information, amino acid conservation, physicochemical variation, residue mobility, and thermodynamic stability) indicates that this missense variant is not expected to disrupt RCBTB1 protein function with a negative predictive value of 80%. For these reasons, this variant has been classified as Pathogenic.

Blueprint Genetics
Classification: Uncertain significance. Last evaluated: 2024-10-11. Review status: criteria provided, single submitter. Criteria: ACMG Guidelines, 2015. Collection method: clinical testing. Allele origin: germline.

Literature cited by the submitters: PubMed 35057699 (cited by Dasa and Labcorp Genetics (formerly Invitae), Labcorp).